The following is an entry in ClinVar:

ClinVar aggregate classification (germline): Uncertain significance (1 of 4 stars; one submission).

Conditions:
Hereditary cancer-predisposing syndrome. Also called: Tumor predisposition; Hereditary Cancer Syndrome; Neoplastic Syndromes, Hereditary; Hereditary neoplastic syndrome. Identifiers: Orphanet 140162, MedGen C0027672, MeSH D009386, MONDO:0015356.

Submission:

Ambry Genetics
Classification: Uncertain significance for Hereditary cancer-predisposing syndrome. Last evaluated: 2021-10-13. Review status: criteria provided, single submitter. Criteria: Ambry Variant Classification Scheme 2023. Collection method: clinical testing. Allele origin: germline.
Comment: The p.S859P variant (also known as c.2575T>C), located in coding exon 6 of the PALB2 gene, results from a T to C substitution at nucleotide position 2575. The serine at codon 859 is replaced by proline, an amino acid with similar properties. This amino acid position is conserved. In addition, the in silico prediction for this alteration is inconclusive. Since supporting evidence is limited at this time, the clinical significance of this alteration remains unclear.

NM_024675.4(PALB2):c.2575T>C (p.Ser859Pro)

Gene: PALB2 (partner and localizer of BRCA2; minus strand). Cytogenetic location: 16p12.2.
Variant type: single nucleotide variant.
Coding change: c.2575T>C on transcript NM_024675.4 (MANE Select); coding-DNA position 2575, T replaced by C.
Protein change: p.Ser859Pro; replaces serine 859 with proline.
Molecular consequence: missense variant.
Genome position (GRCh38, 1-based): chr16:23,629,215, A>G on the plus strand (T>C on the coding strand, the complement: PALB2 is on the minus strand). VCF-style: chr16-23629215-A-G. GRCh37 (hg19) VCF-style: chr16-23640536-A-G.
Other names: c.2515T>C, p.Ser839Pro (NM_001407296.1); c.2575T>C, p.Ser859Pro (NM_001407298.1, NM_001407299.1, NM_001407300.1 and 2 more transcripts); c.1690T>C, p.Ser564Pro (NM_001407304.1, NM_001407305.1, NM_001407306.1 and 5 more transcripts); c.787T>C, p.Ser263Pro (NM_001407312.1, NM_001407313.1); c.109T>C, p.Ser37Pro (NM_001407314.1); short protein forms S859P, S263P, S839P, S564P, S37P.
Identifiers: ClinVar variation 1793307 (VCV001793307.2), dbSNP rs2142367840, ClinGen allele CA395123679.